The following is an entry in ClinVar:

NM_001267550.2(TTN):c.100525dup (p.Tyr33509fs)

Genes: TTN (titin; minus strand), TTN-AS1 (TTN antisense RNA 1; plus strand). Cytogenetic location: 2q31.2.
Variant type: Duplication.
Coding change: c.100525dup on transcript NM_001267550.2 (MANE Select); coding-DNA position 100525, one base duplicated (T; older notation c.100525dupT).
Protein change: p.Tyr33509fs; shifts the reading frame from tyrosine 33509.
Molecular consequence: frameshift variant.
Genome position (GRCh38, 1-based): chr2:178,536,222, A duplicated on the plus strand (T on the coding strand, the reverse complement: TTN is on the minus strand). VCF-style (leftmost placement, unchanged base first): chr2-178536221-T-TA. GRCh37 (hg19) VCF-style: chr2-179400948-T-TA.
Other names: c.95602dup, p.Tyr31868fs (NM_001256850.1); c.73330dup, p.Tyr24444fs (NM_003319.4); c.92821dup, p.Tyr30941fs (NM_133378.4); c.73705dup, p.Tyr24569fs (NM_133432.3); c.73906dup, p.Tyr24636fs (NM_133437.4); short protein forms Y24444fs, Y24569fs, Y24636fs, Y30941fs, Y31868fs, Y33509fs.
Identifiers: ClinVar variation 3900610 (VCV003900610.1).

ClinVar aggregate classification (germline): Likely pathogenic (1 of 4 stars; one submission).

Conditions:
Dilated cardiomyopathy 1G (CMD1G). Identifiers: Orphanet 154, MedGen C1858763, MONDO:0011400, OMIM 604145.

Submission:

Genomics, Clalit Research Institute, Clalit Health Care
Classification: Likely pathogenic for Dilated cardiomyopathy 1G. Last evaluated: 2025-04-01. Review status: criteria provided, single submitter. Criteria: ACMG Guidelines, 2015. Collection method: clinical testing. Allele origin: germline. Inheritance: Autosomal dominant inheritance. Affected: yes. Observed: 1 heterozygote.
Comment: Frequency: The variant is absent from the gnomAD reference population dataset. Variant type: Null variant (frameshift indel) in a gene where LOF is a known mechanism of disease. Predicted to undergo NMD. Clinical evidence: To date, the variant has not been described by reputable sources or in the primary literature.